The following is an entry in ClinVar:

ClinVar aggregate classification (germline): Likely pathogenic (1 of 4 stars; one submission).

Submission:

Labcorp Genetics (formerly Invitae), Labcorp
Classification: Likely pathogenic. Last evaluated: 2025-08-24. Review status: criteria provided, single submitter. Criteria: Invitae Variant Classification Sherloc (09022015). Collection method: clinical testing. Allele origin: germline.
Comment: This sequence change affects an acceptor splice site in intron 2 of the WHRN gene. It is expected to disrupt RNA splicing. Variants that disrupt the donor or acceptor splice site typically lead to a loss of protein function (PMID: 16199547), and loss-of-function variants in WHRN are known to be pathogenic (PMID: 12833159, 15841483, 22147658). This variant is not present in population databases (gnomAD no frequency). This variant has not been reported in the literature in individuals affected with WHRN-related conditions. Algorithms developed to predict the effect of sequence changes on RNA splicing suggest that this variant may disrupt the consensus splice site. In summary, the currently available evidence indicates that the variant is pathogenic, but additional data are needed to prove that conclusively. Therefore, this variant has been classified as Likely Pathogenic.

Literature cited by the submitters: PubMed 16199547; PubMed 12833159; PubMed 15841483; PubMed 22147658.

NM_015404.4(WHRN):c.838-1G>A

Gene: WHRN (whirlin; minus strand). Cytogenetic location: 9q32.
Variant type: single nucleotide variant.
Coding change: c.838-1G>A on transcript NM_015404.4 (MANE Select); the canonical splice acceptor site of the intron before coding-DNA position 838, G replaced by A.
Molecular consequence: splice acceptor variant.
Genome position (GRCh38, 1-based): chr9:114,466,393, C>T on the plus strand (G>A on the coding strand, the complement: WHRN is on the minus strand). VCF-style: chr9-114466393-C-T. GRCh37 (hg19) VCF-style: chr9-117228673-C-T.
Other names: c.838-1G>A (NM_001173425.2); c.-312-1G>A (NM_001083885.3).
Identifiers: ClinVar variation 4725628 (VCV004725628.1).